The following is an entry in ClinVar:

NM_001244008.2(KIF1A):c.1422-8T>C

Gene: KIF1A (kinesin family member 1A; minus strand). Cytogenetic location: 2q37.3.
Variant type: single nucleotide variant.
Coding change: c.1422-8T>C on transcript NM_001244008.2 (MANE Select); 8 bases into the intron before coding-DNA position 1422, T replaced by C.
Molecular consequence: intron variant.
Genome position (GRCh38, 1-based): chr2:240,769,216, A>G on the plus strand (T>C on the coding strand, the complement: KIF1A is on the minus strand). VCF-style: chr2-240769216-A-G. GRCh37 (hg19) VCF-style: chr2-241708633-A-G.
Other names: c.1395-8T>C (NM_001379653.1, NM_001379650.1, NM_001379645.1 and 10 more transcripts); c.1497-8T>C (NM_001379635.1, NM_001330290.2, NM_001379646.1 and 2 more transcripts); c.1470-8T>C (NM_001379637.1, NM_001379648.1); c.1422-8T>C (NM_001320705.2, NM_001379638.1, NM_001330289.2 and 1 more transcripts).
Identifiers: ClinVar variation 379084 (VCV000379084.11), dbSNP rs368650174, ClinGen allele CA2208396.

ClinVar aggregate classification (germline): Likely benign. Review status: criteria provided, multiple submitters, no conflicts (2 of 4 stars). 4 submissions from 4 submitters: Likely benign (4). Last evaluated 2026-08-06.

Conditions:
KIF1A-related disorder. Also called: KIF1A-related disorders; KIF1A-related condition.
Neuropathy, hereditary sensory, type 2C. Also called: KIF1A-Related HSAN2 (HSAN2C); Hereditary sensory and autonomic neuropathy type IIC. Identifiers: Orphanet 970, MedGen C3280168, MONDO:0013634, OMIM 614213.
Intellectual disability, autosomal dominant 9 (NESCAVS). Also called: KIF1A-Related Neurodevelopmental Disorder; NESCAV SYNDROME. Identifiers: Orphanet 662367, MedGen C5393830, MONDO:0013656, OMIM 614255.
Hereditary spastic paraplegia 30. Identifiers: Orphanet 101010, MedGen C5235139, MONDO:0012476.

Allele frequency attached by ClinVar (database versions not stated): gnomAD exomes 0.00002 and 0.00003; ExAC 0.00008; gnomAD 0.00015 and 0.00017; ESP Exome Variant Server 0.00016; TOPMed 0.00019.
gnomAD v4.1: 46 of 1,604,816 alleles (0.0029%); highest among the groups gnomAD compares: African/African-American, 0.057%; no homozygotes.

Submissions (4):

PreventionGenetics, part of Exact Sciences
Classification: Likely benign for KIF1A-related condition. Last evaluated: 2026-08-06. Review status: criteria provided, single submitter. Criteria: ACMG Guidelines, 2015. Collection method: clinical testing. Allele origin: germline.
Comment: This variant is classified as likely benign based on ACMG/AMP sequence variant interpretation guidelines (Richards et al. 2015 PMID: 25741868, with internal and published modifications).

Labcorp Genetics (formerly Invitae), Labcorp
Classification: Likely benign for Hereditary spastic paraplegia 30; Neuropathy, hereditary sensory, type 2C; Intellectual disability, autosomal dominant 9. Last evaluated: 2025-09-03. Review status: criteria provided, single submitter. Criteria: Invitae Variant Classification Sherloc (09022015). Collection method: clinical testing. Allele origin: germline.

ARUP Laboratories, Molecular Genetics and Genomics, ARUP Laboratories
Classification: Likely benign. Last evaluated: 2025-05-23. Review status: criteria provided, single submitter. Criteria: ARUP Molecular Germline Variant Investigation Process 2024. Collection method: clinical testing. Allele origin: germline.

GeneDx
Classification: Likely benign. Last evaluated: 2021-04-21. Review status: criteria provided, single submitter. Criteria: GeneDx Variant Classification Process June 2021. Collection method: clinical testing. Allele origin: germline. Affected: yes.